The following is an entry in ClinVar:

NM_001723.7(DST):c.6764T>C (p.Ile2255Thr)

Gene: DST (dystonin; minus strand). Cytogenetic location: 6p12.1.
Variant type: single nucleotide variant.
Coding change: c.6764T>C on transcript NM_001723.7 (MANE Plus Clinical); coding-DNA position 6764, T replaced by C.
Protein change: p.Ile2255Thr; replaces isoleucine 2255 with threonine.
Molecular consequence: missense variant. On other transcripts: intron variant (10).
Genome position (GRCh38, 1-based): chr6:56,616,703, A>G on the plus strand (T>C on the coding strand, the complement: DST is on the minus strand). VCF-style: chr6-56616703-A-G. GRCh37 (hg19) VCF-style: chr6-56481501-A-G.
Other names: c.4831-2219T>C (NM_001144769.5); c.4930-2219T>C (NM_001374722.1, NM_001374736.1); c.4957-2219T>C (NM_001374734.1); c.4417-2219T>C (NM_001144770.2); c.4297-2219T>C (NM_001374730.1, NM_001386100.1, NM_183380.4 and 1 more transcripts); c.3319-2219T>C (NM_015548.5); short protein forms I2255T.
Identifiers: ClinVar variation 1007257 (VCV001007257.8), dbSNP rs367882420, ClinGen allele CA3870098.
Genomic context (GRCh38, chr6:56,616,703, plus strand): 5'-TTCAACAACCCCTGCTGCAGAGCAATTTCTGGAGGAACACGAATGCCTCTCACAGGGTCA[A>G]TGACACCCCCACTGGCAATCTGGGCTTCCAAGATATGTTTACCTTTTTGTCTGTCAAGCA-3'
Protein context (NP_001714.1, residues 2245-2265): LEAQIASGGV[Ile2255Thr]DPVRGIRVPP

ClinVar aggregate classification (germline): Uncertain significance. Review status: criteria provided, multiple submitters, no conflicts (2 of 4 stars). 2 submissions from 2 submitters: Uncertain significance (2). Last evaluated 2024-12-03.

Conditions:
Epidermolysis bullosa simplex 3, localized or generalized intermediate, with BP230 deficiency (EBS3). Also called: Epidermolysis bullosa simplex due to BP230 deficiency; Epidermolysis bullosa simplex, autosomal recessive 2. Identifiers: Orphanet 412181, MedGen C3809470, MONDO:0014180, OMIM 615425.
Hereditary sensory and autonomic neuropathy type 6. Also called: HSAN VI; Neuropathy, hereditary sensory and autonomic, type VI. Identifiers: Orphanet 314381, MedGen C3539003, MONDO:0013839, OMIM 614653.

Allele frequency attached by ClinVar (database versions not stated): gnomAD 0.00003 and 0.00004; TOPMed 0.00005; ESP Exome Variant Server 0.00008.
gnomAD v4.1: 32 of 1,614,064 alleles (0.002%); highest among the groups gnomAD compares: Middle Eastern, 0.016%; no homozygotes.

Submissions (2):

Women's Health and Genetics/Laboratory Corporation of America, LabCorp
Classification: Uncertain significance. Last evaluated: 2024-12-03. Review status: criteria provided, single submitter. Criteria: LabCorp Variant Classification Summary - May 2015. Collection method: clinical testing. Allele origin: germline.
Comment: Variant summary: DST c.6764T>C (p.Ile2255Thr) results in a non-conservative amino acid change in the encoded protein sequence. Five of five in-silico tools predict a damaging effect of the variant on protein function. The variant allele was found at a frequency of 2e-05 in 251196 control chromosomes. The available data on variant occurrences in the general population are insufficient to allow any conclusion about variant significance. To our knowledge, no occurrence of c.6764T>C in individuals affected with Epidermolysis bullosa simplex 3, localized or generalized intermediate, with BP230 deficiency and no experimental evidence demonstrating its impact on protein function have been reported. ClinVar contains an entry for this variant (Variation ID: 1007257). Based on the evidence outlined above, the variant was classified as uncertain significance.

Labcorp Genetics (formerly Invitae), Labcorp
Classification: Uncertain significance for Epidermolysis bullosa simplex 3, localized or generalized intermediate, with BP230 deficiency; Hereditary sensory and autonomic neuropathy type 6. Last evaluated: 2024-10-24. Review status: criteria provided, single submitter. Criteria: Invitae Variant Classification Sherloc (09022015). Collection method: clinical testing. Allele origin: germline.
Comment: This sequence change replaces isoleucine, which is neutral and non-polar, with threonine, which is neutral and polar, at codon 2255 of the DST protein (p.Ile2255Thr). This variant is present in population databases (rs367882420, gnomAD 0.005%). This variant has not been reported in the literature in individuals affected with DST-related conditions. ClinVar contains an entry for this variant (Variation ID: 1007257). An algorithm developed to predict the effect of missense changes on protein structure and function (PolyPhen-2) suggests that this variant¬¨‚Ä†is likely to be tolerated. In summary, the available evidence is currently insufficient to determine the role of this variant in disease. Therefore, it has been classified as a Variant of Uncertain Significance.